The following is an entry in ClinVar:

ClinVar aggregate classification (germline): Uncertain significance. Review status: criteria provided, multiple submitters, no conflicts (2 of 4 stars). 2 submissions from 2 submitters: Uncertain significance (2). Last evaluated 2025-07-21.

Conditions:
Desmin-related myofibrillar myopathy (MFM1). Also called: Desminopathy; MYOFIBRILLAR MYOPATHY WITH ARRHYTHMOGENIC RIGHT VENTRICULAR CARDIOMYOPATHY; DESMIN-RELATED MYOPATHY WITH ARRHYTHMOGENIC RIGHT VENTRICULAR CARDIOMYOPATHY; Desmin related myopathy (former name); Desmin storage myopathy (former name); Myofibrillar myopathy 1. Identifiers: Orphanet 363543, Orphanet 98909, MedGen C1832370, MONDO:0011076, OMIM 601419.

Allele frequency attached by ClinVar (database versions not stated): gnomAD exomes below 0.00001 and 0.00001; TOPMed below 0.00001; gnomAD 0.00001.
gnomAD v4.1: 13 of 1,600,730 alleles (0.00081%); highest among the groups gnomAD compares: African/African-American, 0.0014%; no homozygotes.

Submissions (2):

Labcorp Genetics (formerly Invitae), Labcorp
Classification: Uncertain significance for Desmin-related myofibrillar myopathy. Last evaluated: 2025-07-21. Review status: criteria provided, single submitter. Criteria: Invitae Variant Classification Sherloc (09022015). Collection method: clinical testing. Allele origin: germline.
Comment: This sequence change replaces arginine, which is basic and polar, with cysteine, which is neutral and slightly polar, at codon 10 of the DES protein (p.Arg10Cys). The frequency data for this variant in the population databases is considered unreliable, as metrics indicate poor data quality at this position in the gnomAD database. This variant has not been reported in the literature in individuals affected with DES-related conditions. ClinVar contains an entry for this variant (Variation ID: 1339289). Invitae Evidence Modeling of protein sequence and biophysical properties (such as structural, functional, and spatial information, amino acid conservation, physicochemical variation, residue mobility, and thermodynamic stability) has been performed for this missense variant. However, the output from this modeling did not meet the statistical confidence thresholds required to predict the impact of this variant on DES protein function. In summary, the available evidence is currently insufficient to determine the role of this variant in disease. Therefore, it has been classified as a Variant of Uncertain Significance.

Phosphorus, Inc.
Classification: Uncertain significance. Last evaluated: 2022-01-14. Review status: criteria provided, single submitter. Criteria: ACMG Guidelines, 2015. Collection method: clinical testing. Allele origin: germline. Inheritance: Autosomal recessive inheritance.
Comment: This missense variant resulted in an amino acid substitution of arginine with cysteine at codon 10 of the DES gene. The variant has occurred once in gnomAD with a total MAF of 0.0004%. This position is conserved (GERP = 5.1199). In silico functional algorithms predict this variant to be possibly damaging and deleterious (PolyPhen/SIFT), but no functional studies were performed to confirm these predictions. The variant has not occurred in the literature in association with disease. Considering that this is a rare variant, whose impact on protein and association with disease are unknown, it has been classified as Variant of Uncertain Significance.

NM_001927.4(DES):c.28C>T (p.Arg10Cys)

Gene: DES (desmin; plus strand). Cytogenetic location: 2q35.
Variant type: single nucleotide variant.
Coding change: c.28C>T on transcript NM_001927.4 (MANE Select); coding-DNA position 28, C replaced by T.
Protein change: p.Arg10Cys; replaces arginine 10 with cysteine.
Molecular consequence: missense variant.
Genome position (GRCh38, 1-based): chr2:219,418,490, C>T. VCF-style: chr2-219418490-C-T. GRCh37 (hg19) VCF-style: chr2-220283212-C-T.
Other names: c.28C>T, p.Arg10Cys (NM_001382708.1, NM_001382709.1, NM_001382710.1 and 3 more transcripts); short protein forms R10C.
Identifiers: ClinVar variation 1339289 (VCV001339289.9), dbSNP rs1196125127, ClinGen allele CA350682181.
Genomic context (GRCh38, chr2:219,418,490, plus strand): 5'-CGTGCGCCCGCCAGCCTCGCCCGCGCCGTCACCATGAGCCAGGCCTACTCGTCCAGCCAG[C>T]GCGTGTCCTCCTACCGCCGCACCTTCGGCGGGGCCCCGGGCTTCCCACTCGGCTCCCCGC-3'
Protein context (NP_001918.3, residues 1-20): MSQAYSSSQ[Arg10Cys]VSSYRRTFGG